The following is an entry in ClinVar:

NM_000539.3(RHO):c.53G>A (p.Gly18Asp)

Gene: RHO (rhodopsin; plus strand). Cytogenetic location: 3q22.1.
Variant type: single nucleotide variant.
Coding change: c.53G>A on transcript NM_000539.3 (MANE Select); coding-DNA position 53, G replaced by A.
Protein change: p.Gly18Asp; replaces glycine 18 with aspartic acid.
Molecular consequence: missense variant.
Genome position (GRCh38, 1-based): chr3:129,528,786, G>A. VCF-style: chr3-129528786-G-A. GRCh37 (hg19) VCF-style: chr3-129247629-G-A.
Other names: short protein forms G18D.
Identifiers: ClinVar variation 625297 (VCV000625297.12), dbSNP rs200946638, ClinGen allele CA2607047.

ClinVar aggregate classification (germline): Conflicting classifications of pathogenicity. Review status: criteria provided, conflicting classifications (1 of 4 stars). 5 submissions from 5 submitters: Pathogenic (1); Uncertain significance (3). 1 of the submissions does not count toward it. Last evaluated 2025-02-13.

Conditions:
Retinitis pigmentosa 4 (RP4). Also called: RETINITIS PIGMENTOSA, RHODOPSIN-RELATED. Identifiers: Orphanet 791, MedGen C3151001, MONDO:0013395, OMIM 613731.
Retinitis pigmentosa (RP). Identifiers: Orphanet 791, MedGen C0035334, MeSH D012174, MONDO:0019200, OMIM 268000. Inheritance: Autosomal dominant, autosomal recessive and X linked inheritance.

Allele frequency attached by ClinVar (database versions not stated): gnomAD 0.00003; TOPMed 0.00003.
gnomAD v4.1: 78 of 1,614,088 alleles (0.0048%); highest among the groups gnomAD compares: Non-Finnish European, 0.0014%; no homozygotes.

Submissions (5):

Labcorp Genetics (formerly Invitae), Labcorp
Classification: Uncertain significance. Last evaluated: 2025-02-13. Review status: criteria provided, single submitter. Criteria: Invitae Variant Classification Sherloc (09022015). Collection method: clinical testing. Allele origin: germline.
Comment: This sequence change replaces glycine, which is neutral and non-polar, with aspartic acid, which is acidic and polar, at codon 18 of the RHO protein (p.Gly18Asp). This variant is present in population databases (rs200946638, gnomAD 0.1%). This missense change has been observed in individual(s) with clinical features of retinitis pigmentosa (PMID: 28981474, 31456290, 32037395). ClinVar contains an entry for this variant (Variation ID: 625297). Invitae Evidence Modeling of protein sequence and biophysical properties (such as structural, functional, and spatial information, amino acid conservation, physicochemical variation, residue mobility, and thermodynamic stability) indicates that this missense variant is expected to disrupt RHO protein function with a positive predictive value of 95%. Experimental studies have shown that this missense change affects RHO function (PMID: 30977563). In summary, the available evidence is currently insufficient to determine the role of this variant in disease. Therefore, it has been classified as a Variant of Uncertain Significance.

GeneDx
Classification: Uncertain significance. Last evaluated: 2023-10-20. Review status: criteria provided, single submitter. Criteria: GeneDx Variant Classification Process June 2021. Collection method: clinical testing. Allele origin: germline. Affected: yes.
Comment: Published functional studies suggest a damaging effect with impaired membrane localization, however additional studies are needed to validate the functional effect of this variant in vivo (Wan et al., 2019); In silico analysis supports that this missense variant does not alter protein structure/function; This variant is associated with the following publications: (PMID: 32037395, 31456290, 28981474, 30977563)

Blueprint Genetics
Classification: Uncertain significance. Last evaluated: 2022-11-02. Review status: criteria provided, single submitter. Criteria: ACMG Guidelines, 2015. Collection method: clinical testing. Allele origin: germline.

Ocular Genomics Institute, Massachusetts Eye and Ear
Classification: Pathogenic for Retinitis pigmentosa 4. Last evaluated: 2019-01-09. Review status: criteria provided, single submitter. Criteria: Comander et al. Genes (Basel). 2017). Collection method: research. Allele origin: germline. Affected: yes.

Sharon lab, Hadassah-Hebrew University Medical Center
Classification: Pathogenic for Retinitis pigmentosa. Last evaluated: 2019-06-23. Review status: no assertion criteria provided. Collection method: research. Allele origin: inherited. Affected: yes. Not counted in ClinVar's aggregate classification.

Literature cited by the submitters: PubMed 28981474 (cited by Labcorp Genetics (formerly Invitae), Labcorp); PubMed 31456290 (cited by Labcorp Genetics (formerly Invitae), Labcorp); PubMed 32037395 (cited by Labcorp Genetics (formerly Invitae), Labcorp); PubMed 30977563 (cited by Labcorp Genetics (formerly Invitae), Labcorp).